The following is an entry in ClinVar:

ClinVar aggregate classification (germline): Conflicting classifications of pathogenicity. Review status: criteria provided, conflicting classifications (1 of 4 stars). 5 submissions from 5 submitters: Uncertain significance (4); Likely benign (1). Last evaluated 2025-12-01.

Conditions:
Neurofibromatosis, type 1 (NF1). Also called: VON RECKLINGHAUSEN DISEASE; NEUROFIBROMATOSIS, TYPE I, SOMATIC; Peripheral type neurofibromatosis; Neurofibromatosis, type I. Identifiers: Orphanet 636, MedGen C0027831, MONDO:0018975, OMIM 162200. Disease mechanism: loss of function.
Cardiovascular phenotype. Identifiers: MedGen CN230736.
Hereditary cancer-predisposing syndrome. Also called: Hereditary Cancer Syndrome; Hereditary neoplastic syndrome; Tumor predisposition; Neoplastic Syndromes, Hereditary. Identifiers: Orphanet 140162, MedGen C0027672, MeSH D009386, MONDO:0015356.
Juvenile myelomonocytic leukemia (JMML). Also called: LEUKEMIA, JUVENILE MYELOMONOCYTIC, SOMATIC. Identifiers: Orphanet 86834, MedGen C0349639, MONDO:0011908, OMIM 607785, HP:0012209.

Allele frequency attached by ClinVar (database versions not stated): gnomAD exomes below 0.00001; gnomAD 0.00001 and 0.00002; TOPMed 0.00001.
gnomAD v4.1: 4 of 1,610,976 alleles (0.00025%); highest among the groups gnomAD compares: African/African-American, 0.0027%; no homozygotes.

Submissions (5):

Labcorp Genetics (formerly Invitae), Labcorp
Classification: Likely benign for Neurofibromatosis, type 1. Last evaluated: 2025-12-01. Review status: criteria provided, single submitter. Criteria: Invitae Variant Classification Sherloc (09022015). Collection method: clinical testing. Allele origin: germline.

GeneDx
Classification: Uncertain significance. Last evaluated: 2024-03-13. Review status: criteria provided, single submitter. Criteria: GeneDx Variant Classification Process June 2021. Collection method: clinical testing. Allele origin: germline. Affected: yes.
Comment: Not observed at significant frequency in large population cohorts (gnomAD); In silico analysis supports that this missense variant has a deleterious effect on protein structure/function; Has not been previously published as pathogenic or benign to our knowledge

Baylor Genetics
Classification: Uncertain significance for Juvenile myelomonocytic leukemia. Last evaluated: 2023-09-06. Review status: criteria provided, single submitter. Criteria: ACMG Guidelines, 2015. Collection method: clinical testing. Allele origin: unknown.

Ambry Genetics
Classification: Uncertain significance for Cardiovascular phenotype; Hereditary cancer-predisposing syndrome. Last evaluated: 2023-07-18. Review status: criteria provided, single submitter. Criteria: Ambry Variant Classification Scheme 2023. Collection method: clinical testing. Allele origin: germline.
Comment: The p.R416Q variant (also known as c.1247G>A), located in coding exon 11 of the NF1 gene, results from a G to A substitution at nucleotide position 1247. The arginine at codon 416 is replaced by glutamine, an amino acid with highly similar properties. This amino acid position is highly conserved in available vertebrate species. In addition, the in silico prediction for this alteration is inconclusive. Since supporting evidence is limited at this time, the clinical significance of this alteration remains unclear.

Genome-Nilou Lab
Classification: Uncertain significance for Neurofibromatosis, type 1. Last evaluated: 2022-03-15. Review status: criteria provided, single submitter. Criteria: ACMG Guidelines, 2015. Collection method: clinical testing. Allele origin: germline. Affected: no.

NM_001042492.3(NF1):c.1247G>A (p.Arg416Gln)

Gene: NF1 (neurofibromin 1; plus strand). Cytogenetic location: 17q11.2.
Variant type: single nucleotide variant.
Coding change: c.1247G>A on transcript NM_001042492.3 (MANE Select); coding-DNA position 1247, G replaced by A.
Protein change: p.Arg416Gln; replaces arginine 416 with glutamine.
Molecular consequence: missense variant.
Genome position (GRCh38, 1-based): chr17:31,201,472, G>A. VCF-style: chr17-31201472-G-A. GRCh37 (hg19) VCF-style: chr17-29528490-G-A.
Other names: c.1247G>A, p.Arg416Gln (NM_000267.4, NM_001128147.3); short protein forms R416Q.
Identifiers: ClinVar variation 457524 (VCV000457524.14), dbSNP rs1343309278, ClinGen allele CA398997717.